The following is an entry in ClinVar:

ClinVar aggregate classification (germline): Uncertain significance (1 of 4 stars; one submission).

gnomAD v4.1: 14 of 1,614,204 alleles (0.00087%); highest among the groups gnomAD compares: South Asian, 0.0011%; no homozygotes.

Submission:

GeneDx
Classification: Uncertain significance. Last evaluated: 2024-05-18. Review status: criteria provided, single submitter. Criteria: GeneDx Variant Classification Process June 2021. Collection method: clinical testing. Allele origin: germline. Affected: yes.
Comment: Not observed at significant frequency in large population cohorts (gnomAD); In silico analysis indicates that this missense variant does not alter protein structure/function; Has not been previously published as pathogenic or benign to our knowledge

NM_001070.5(TUBG1):c.833C>T (p.Thr278Met)

Gene: TUBG1 (tubulin gamma 1; plus strand). Cytogenetic location: 17q21.2.
Variant type: single nucleotide variant.
Coding change: c.833C>T on transcript NM_001070.5 (MANE Select); coding-DNA position 833, C replaced by T.
Protein change: p.Thr278Met; replaces threonine 278 with methionine.
Molecular consequence: missense variant.
Genome position (GRCh38, 1-based): chr17:42,613,988, C>T. VCF-style: chr17-42613988-C-T. GRCh37 (hg19) VCF-style: chr17-40766006-C-T.
Other names: short protein forms T278M.
Identifiers: ClinVar variation 3377859 (VCV003377859.1).